The following is an entry in ClinVar:

ClinVar aggregate classification (germline): Uncertain significance (1 of 4 stars; one submission).

Conditions:
Tibial muscular dystrophy (TMD). Also called: UDD MYOPATHY; Udd Distal Myopathy – Tibial Muscular Dystrophy; Tibial muscular dystrophy, tardive. Identifiers: Orphanet 609, MedGen C1838244, MONDO:0010870, OMIM 600334.

Submission:

Centre for Mendelian Genomics, University Medical Centre Ljubljana
Classification: Uncertain significance for Tibial muscular dystrophy. Last evaluated: 2019-04-30. Review status: criteria provided, single submitter. Criteria: ACMG Guidelines, 2015. Collection method: clinical testing. Allele origin: unknown. Affected: yes.
Comment: This variant was classified as: Uncertain significance. The available evidence on this variant's pathogenicity is insufficient or conflicting. The following ACMG criteria were applied in classifying this variant: PM2,PP3.

NM_001267550.2(TTN):c.27709T>C (p.Ser9237Pro)

Gene: TTN (titin; minus strand). Cytogenetic location: 2q31.2.
Variant type: single nucleotide variant.
Coding change: c.27709T>C on transcript NM_001267550.2 (MANE Select); coding-DNA position 27709, T replaced by C.
Protein change: p.Ser9237Pro; replaces serine 9237 with proline.
Molecular consequence: missense variant. On other transcripts: intron variant (3).
Genome position (GRCh38, 1-based): chr2:178,712,121, A>G on the plus strand (T>C on the coding strand, the complement: TTN is on the minus strand). VCF-style: chr2-178712121-A-G. GRCh37 (hg19) VCF-style: chr2-179576848-A-G.
Other names: c.26758T>C, p.Ser8920Pro (NM_001256850.1); c.23977T>C, p.Ser7993Pro (NM_133378.4); c.13282+25961T>C (NM_003319.4); c.13858+25961T>C (NM_133437.4); c.13657+25961T>C (NM_133432.3); short protein forms S7993P, S8920P, S9237P.
Identifiers: ClinVar variation 932120 (VCV000932120.3), dbSNP rs766638714, ClinGen allele CA349448864.